The following is an entry in ClinVar:

NM_003922.4(HERC1):c.13725C>T (p.His4575=)

Gene: HERC1 (HECT and RLD domain containing E3 ubiquitin protein ligase family member 1; minus strand). Cytogenetic location: 15q22.31.
Variant type: single nucleotide variant.
Coding change: c.13725C>T on transcript NM_003922.4 (MANE Select); coding-DNA position 13725, C replaced by T.
Protein change: p.His4575=; no amino-acid change (histidine 4575 retained).
Molecular consequence: synonymous variant.
Genome position (GRCh38, 1-based): chr15:63,616,646, G>A on the plus strand (C>T on the coding strand, the complement: HERC1 is on the minus strand). VCF-style: chr15-63616646-G-A. GRCh37 (hg19) VCF-style: chr15-63908845-G-A.
Identifiers: ClinVar variation 2645427 (VCV002645427.24), dbSNP rs2067831041, ClinGen allele CA490891704.

ClinVar aggregate classification (germline): Likely benign (1 of 4 stars; one submission).

Allele frequency attached by ClinVar (database versions not stated): gnomAD exomes below 0.00001.
gnomAD v4.1: 4 of 1,613,834 alleles (0.00025%); highest among the groups gnomAD compares: Non-Finnish European, 0.00034%; no homozygotes.

Submission:

CeGaT Center for Human Genetics Tuebingen
Classification: Likely benign. Last evaluated: 2023-04-01. Review status: criteria provided, single submitter. Criteria: CeGaT Center For Human Genetics Tuebingen Variant Classification Criteria Version 2. Collection method: clinical testing. Allele origin: germline. Affected: yes. Observed: 1 variant allele.
Comment: HERC1: PM2:Supporting, BP4, BP7